The following is an entry in ClinVar:

NM_001377295.2(GNAT2):c.421G>T (p.Glu141Ter)

Gene: GNAT2 (G protein subunit alpha transducin 2; minus strand). Cytogenetic location: 1p13.3.
Variant type: single nucleotide variant.
Coding change: c.421G>T on transcript NM_001377295.2 (MANE Select); coding-DNA position 421, G replaced by T.
Protein change: p.Glu141Ter; replaces glutamic acid 141 with a stop codon.
Molecular consequence: nonsense.
Genome position (GRCh38, 1-based): chr1:109,608,671, C>A on the plus strand (G>T on the coding strand, the complement: GNAT2 is on the minus strand). VCF-style: chr1-109608671-C-A. GRCh37 (hg19) VCF-style: chr1-110151293-C-A.
Other names: c.421G>T, p.Glu141Ter (NM_001379232.1, NM_005272.5); short protein forms E141*.
Identifiers: ClinVar variation 2812390 (VCV002812390.3), dbSNP rs768086755, ClinGen allele CA341539953.

ClinVar aggregate classification (germline): Pathogenic (1 of 4 stars; one submission).

gnomAD v4.1: 1 of 1,614,092 alleles (0.000062%); highest among the groups gnomAD compares: Non-Finnish European, 0.000085%; no homozygotes.

Submission:

Labcorp Genetics (formerly Invitae), Labcorp
Classification: Pathogenic. Last evaluated: 2022-11-06. Review status: criteria provided, single submitter. Criteria: Invitae Variant Classification Sherloc (09022015). Collection method: clinical testing. Allele origin: germline.
Comment: For these reasons, this variant has been classified as Pathogenic. Algorithms developed to predict the effect of sequence changes on RNA splicing suggest that this variant may disrupt the consensus splice site. This variant has not been reported in the literature in individuals affected with GNAT2-related conditions. This variant is not present in population databases (gnomAD no frequency). This sequence change creates a premature translational stop signal (p.Glu141*) in the GNAT2 gene. It is expected to result in an absent or disrupted protein product. Loss-of-function variants in GNAT2 are known to be pathogenic (PMID: 12077706).

Literature cited by the submitters: PubMed 12077706.